The following is an entry in ClinVar:

ClinVar aggregate classification (germline): Uncertain significance. Review status: criteria provided, multiple submitters, no conflicts (2 of 4 stars). 2 submissions from 2 submitters: Uncertain significance (2). Last evaluated 2026-08-06.

Conditions:
Epileptic encephalopathy. Identifiers: MedGen C0543888, HP:0200134.

Submissions (2):

OLLIN Analises Genomicas, OLLIN
Classification: Uncertain significance. Last evaluated: 2026-08-06. Review status: criteria provided, single submitter. Criteria: ACMG Guidelines 2015 PMID 25741868. Collection method: clinical testing. Allele origin: germline.
Comment: This missense variant, located in exon 13 (of 43), has been reported in ClinVar (accession VCV002529135.4) and in gnomAD with an allele frequency of 0.00099%. However, to our knowledge, it has not been reported in the scientific literature. In silico analysis predicts that this variant has a tolerated effect. According to the currently available evidence, this variant has been classified as uncertain significance (PM2_P, BP4_M).

Labcorp Genetics (formerly Invitae), Labcorp
Classification: Uncertain significance for Epileptic encephalopathy. Last evaluated: 2025-08-04. Review status: criteria provided, single submitter. Criteria: Invitae Variant Classification Sherloc (09022015). Collection method: clinical testing. Allele origin: germline.
Comment: This sequence change replaces arginine, which is basic and polar, with glutamine, which is neutral and polar, at codon 676 of the FASN protein (p.Arg676Gln). This variant is present in population databases (no rsID available, gnomAD 0.003%). This variant has not been reported in the literature in individuals affected with FASN-related conditions. ClinVar contains an entry for this variant (Variation ID: 2901884). An algorithm developed to predict the effect of missense changes on protein structure and function outputs the following: PolyPhen-2: "Benign". The glutamine amino acid residue is found in multiple mammalian species, which suggests that this missense change does not adversely affect protein function. In summary, the available evidence is currently insufficient to determine the role of this variant in disease. Therefore, it has been classified as a Variant of Uncertain Significance.

NM_004104.5(FASN):c.2027G>A (p.Arg676Gln)

Gene: FASN (fatty acid synthase; minus strand). Cytogenetic location: 17q25.3.
Variant type: single nucleotide variant.
Coding change: c.2027G>A on transcript NM_004104.5 (MANE Select); coding-DNA position 2027, G replaced by A.
Protein change: p.Arg676Gln; replaces arginine 676 with glutamine.
Molecular consequence: missense variant.
Genome position (GRCh38, 1-based): chr17:82,089,323, C>T on the plus strand (G>A on the coding strand, the complement: FASN is on the minus strand). VCF-style: chr17-82089323-C-T. GRCh37 (hg19) VCF-style: chr17-80047199-C-T.
Other names: short protein forms R676Q.
Identifiers: ClinVar variation 2901884 (VCV002901884.4), dbSNP rs867637370, ClinGen allele CA295135075.